The following is an entry in ClinVar:

NM_016734.3(PAX5):c.1006G>A (p.Val336Met)

Gene: PAX5 (paired box 5; minus strand). Cytogenetic location: 9p13.2.
Variant type: single nucleotide variant.
Coding change: c.1006G>A on transcript NM_016734.3 (MANE Select); coding-DNA position 1006, G replaced by A.
Protein change: p.Val336Met; replaces valine 336 with methionine.
Molecular consequence: missense variant. On other transcripts: non-coding transcript variant (2), intron variant (6).
Genome position (GRCh38, 1-based): chr9:36,882,010, C>T on the plus strand (G>A on the coding strand, the complement: PAX5 is on the minus strand). VCF-style: chr9-36882010-C-T. GRCh37 (hg19) VCF-style: chr9-36882007-C-T.
Other names: c.1006G>A, p.Val336Met (NM_001280548.2); c.877G>A, p.Val293Met (NM_001280553.2, NM_001280554.2); c.682G>A, p.Val228Met (NM_001280556.2); c.586+41345G>A (NM_001280551.2); c.713-35081G>A (NM_001280555.2); c.781-41374G>A (NM_001280550.2); c.781-35081G>A (NM_001280549.2); c.910+41345G>A (NM_001280552.2); and 1 more; short protein forms V228M, V336M, V293M.
Identifiers: ClinVar variation 3928359 (VCV003928359.1).

ClinVar aggregate classification (germline): Uncertain significance (1 of 4 stars; one submission).

Conditions:
Inborn genetic diseases. Identifiers: MedGen C0950123, MeSH D030342.

gnomAD v4.1: 3 of 1,610,916 alleles (0.00019%); highest among the groups gnomAD compares: South Asian, 0.0022%; no homozygotes.

Submission:

Ambry Genetics
Classification: Uncertain significance for Inborn genetic diseases. Last evaluated: 2025-06-12. Review status: criteria provided, single submitter. Criteria: Ambry Variant Classification Scheme 2023. Collection method: clinical testing. Allele origin: germline.
Comment: The p.V336M variant (also known as c.1006G>A), located in coding exon 8 of the PAX5 gene, results from a G to A substitution at nucleotide position 1006. The valine at codon 336 is replaced by methionine, an amino acid with highly similar properties. This amino acid position is conserved. In addition, the in silico prediction for this alteration is inconclusive. Based on the available evidence, the clinical significance of this variant remains unclear.